The following is an entry in ClinVar:

ClinVar aggregate classification (germline): Uncertain significance (1 of 4 stars; one submission).

Conditions:
Cataract 33. Also called: CATARACT 33, CORTICAL. Identifiers: Orphanet 91492, MedGen C3808107, MONDO:0012665, OMIM 611391.

gnomAD v4.1: 3 of 1,613,828 alleles (0.00019%); highest among the groups gnomAD compares: Admixed American, 0.0017%; no homozygotes.

Submission:

MVZ Medizinische Genetik Mainz
Classification: Uncertain significance for Cataract 33. Last evaluated: 2026-09-24. Review status: criteria provided, single submitter. Criteria: UK Practice Guidelines For Variant Classification V4 01 2020. Collection method: clinical testing. Allele origin: germline. Inheritance: Autosomal recessive inheritance. Affected: yes. Observed: 1 variant allele.
Comment: ACMG Criteria: PM2_SUP,PP3; Compound Heterozygote

NM_001195.5(BFSP1):c.438+5G>A

Gene: BFSP1 (beaded filament structural protein 1; minus strand). Cytogenetic location: 20p12.1.
Variant type: single nucleotide variant.
Coding change: c.438+5G>A on transcript NM_001195.5 (MANE Select); 5 bases into the intron after coding-DNA position 438, G replaced by A.
Molecular consequence: intron variant.
Genome position (GRCh38, 1-based): chr20:17,524,843, C>T on the plus strand (G>A on the coding strand, the complement: BFSP1 is on the minus strand). VCF-style: chr20-17524843-C-T. GRCh37 (hg19) VCF-style: chr20-17505488-C-T.
Other names: c.21+5G>A (NM_001278608.2, NM_001278606.2); c.105+5G>A (NM_001278607.2); c.63+5G>A (NM_001161705.2); c.438+5G>A (NM_001424338.1).
Identifiers: ClinVar variation 5038156 (VCV005038156.1).